The following is an entry in ClinVar:

NM_001162501.2(TNRC6B):c.5087C>T (p.Ala1696Val)

Gene: TNRC6B (trinucleotide repeat containing adaptor 6B; plus strand). Cytogenetic location: 22q13.1.
Variant type: single nucleotide variant.
Coding change: c.5087C>T on transcript NM_001162501.2 (MANE Select); coding-DNA position 5087, C replaced by T.
Protein change: p.Ala1696Val; replaces alanine 1696 with valine.
Molecular consequence: missense variant.
Genome position (GRCh38, 1-based): chr22:40,321,202, C>T. VCF-style: chr22-40321202-C-T. GRCh37 (hg19) VCF-style: chr22-40717206-C-T.
Other names: c.2675C>T, p.Ala892Val (NM_001024843.2); c.4757C>T, p.Ala1586Val (NM_015088.3); short protein forms A1586V, A1696V, A892V.
Identifiers: ClinVar variation 3349622 (VCV003349622.4).

ClinVar aggregate classification (germline): Uncertain significance. Review status: criteria provided, multiple submitters, no conflicts (2 of 4 stars). 3 submissions from 3 submitters: Uncertain significance (2). 1 of the submissions does not count toward it. Last evaluated 2026-06-01.

Conditions:
TNRC6B-related disorder. Also called: TNRC6B-related condition.

gnomAD v4.1: 4 of 1,613,940 alleles (0.00025%); highest among the groups gnomAD compares: Admixed American, 0.0017%; no homozygotes.

Submissions (3):

CeGaT Center for Human Genetics Tuebingen
Classification: Uncertain significance. Last evaluated: 2026-06-01. Review status: criteria provided, single submitter. Criteria: CeGaT Center For Human Genetics Tuebingen Variant Classification Criteria Version 2. Collection method: clinical testing. Allele origin: germline. Affected: yes. Observed: 1 variant allele.
Comment: TNRC6B: PS2:Moderate, PP2

Women's Health and Genetics/Laboratory Corporation of America, LabCorp
Classification: Uncertain significance. Last evaluated: 2025-11-19. Review status: criteria provided, single submitter. Criteria: LabCorp Variant Classification Summary - May 2015. Collection method: clinical testing. Allele origin: germline.
Comment: Variant summary: TNRC6B c.5087C>T (p.Ala1696Val) results in a non-conservative amino acid change in the encoded protein sequence. Algorithms developed to predict the effect of missense changes on protein structure and function are either unavailable or do not agree on the potential impact of this missense change. The variant allele was found at a frequency of 4e-06 in 249092 control chromosomes. The available data on variant occurrences in the general population are insufficient to allow any conclusion about variant significance. c.5087C>T has been observed in an individual from a large autism cohort and it was inherited from the presumably unaffected father (Guo_2018). This report does not provide unequivocal conclusions about association of the variant with Global Developmental Delay With Speech And Behavioral Abnormalities. To our knowledge, no experimental evidence demonstrating an impact on protein function has been reported. The following publication has been ascertained in the context of this evaluation (PMID: 30564305). ClinVar contains an entry for this variant (Variation ID: 3349622). Based on the evidence outlined above, the variant was classified as uncertain significance.

PreventionGenetics, part of Exact Sciences
Classification: Uncertain significance for TNRC6B-related condition. Last evaluated: 2024-09-28. Review status: no assertion criteria provided. Collection method: clinical testing. Allele origin: germline. Not counted in ClinVar's aggregate classification.
Comment: The TNRC6B c.5087C>T variant is predicted to result in the amino acid substitution p.Ala1696Val. This variant was detected in an individual from a large autism spectrum disorder cohort and was reported to be inherited (Supp Data File 3; Guo et al. 2018. PubMed ID: 30564305). This variant is reported in 0.0029% of alleles in individuals of Latino descent in gnomAD. At this time, the clinical significance of this variant is uncertain due to the absence of conclusive functional and genetic evidence.

Literature cited by the submitters: PubMed 30564305 (cited by Women's Health and Genetics/Laboratory Corporation of America, LabCorp).